The following is an entry in ClinVar:

NM_005142.3(CBLIF):c.78C>T (p.Cys26=)

Gene: CBLIF (cobalamin binding intrinsic factor; minus strand). Cytogenetic location: 11q12.1.
Variant type: single nucleotide variant.
Coding change: c.78C>T on transcript NM_005142.3 (MANE Select); coding-DNA position 78, C replaced by T.
Protein change: p.Cys26=; no amino-acid change (cysteine 26 retained).
Molecular consequence: synonymous variant.
Genome position (GRCh38, 1-based): chr11:59,845,376, G>A on the plus strand (C>T on the coding strand, the complement: CBLIF is on the minus strand). VCF-style: chr11-59845376-G-A. GRCh37 (hg19) VCF-style: chr11-59612849-G-A.
Identifiers: ClinVar variation 1951652 (VCV001951652.5), dbSNP rs2495720813, ClinGen allele CA474660348.

ClinVar aggregate classification (germline): Uncertain significance (1 of 4 stars; one submission).

Conditions:
Hereditary intrinsic factor deficiency (IFD). Also called: Congenital intrinsic factor deficiency; PERNICIOUS ANEMIA, CONGENITAL, DUE TO DEFECT OF INTRINSIC FACTOR. Identifiers: Orphanet 332, MedGen C2062370, MONDO:0009852, OMIM 261000.

Submission:

Labcorp Genetics (formerly Invitae), Labcorp
Classification: Uncertain significance for Hereditary intrinsic factor deficiency. Last evaluated: 2022-06-24. Review status: criteria provided, single submitter. Criteria: Invitae Variant Classification Sherloc (09022015). Collection method: clinical testing. Allele origin: germline.
Comment: In summary, the available evidence is currently insufficient to determine the role of this variant in disease. Therefore, it has been classified as a Variant of Uncertain Significance. Algorithms developed to predict the effect of sequence changes on RNA splicing suggest that this variant is not likely to affect RNA splicing. This variant has not been reported in the literature in individuals affected with GIF-related conditions. This variant is not present in population databases (gnomAD no frequency). This sequence change affects codon 26 of the GIF mRNA. It is a 'silent' change, meaning that it does not change the encoded amino acid sequence of the GIF protein. It affects a nucleotide within the consensus splice site.